The following is an entry in ClinVar:

NM_020631.6(PLEKHG5):c.2932G>C (p.Ala978Pro)

Gene: PLEKHG5 (pleckstrin homology and RhoGEF domain containing G5; minus strand). Cytogenetic location: 1p36.31.
Variant type: single nucleotide variant.
Coding change: c.2932G>C on transcript NM_020631.6 (MANE Select); coding-DNA position 2932, G replaced by C.
Protein change: p.Ala978Pro; replaces alanine 978 with proline.
Molecular consequence: missense variant. On other transcripts: intron variant (1).
Genome position (GRCh38, 1-based): chr1:6,467,904, C>G on the plus strand (G>C on the coding strand, the complement: PLEKHG5 is on the minus strand). VCF-style: chr1-6467904-C-G. GRCh37 (hg19) VCF-style: chr1-6527964-C-G.
Other names: c.3043G>C, p.Ala1015Pro (NM_001042663.3, NM_001265592.2); c.2932G>C, p.Ala978Pro (NM_001042664.2, NM_001042665.2, NM_198681.4); c.3139G>C, p.Ala1047Pro (NM_001265593.2); c.2738-6G>C (NM_001265594.3); short protein forms A978P, A1047P, A1015P.
Identifiers: ClinVar variation 654396 (VCV000654396.12), dbSNP rs368905339, ClinGen allele CA561061.

ClinVar aggregate classification (germline): Uncertain significance. Review status: criteria provided, multiple submitters, no conflicts (2 of 4 stars). 3 submissions from 3 submitters: Uncertain significance (3). Last evaluated 2025-06-06.

Conditions:
Inborn genetic diseases. Identifiers: MedGen C0950123, MeSH D030342.
Charcot-Marie-Tooth disease recessive intermediate C. Also called: CHARCOT-MARIE-TOOTH NEUROPATHY, RECESSIVE INTERMEDIATE C. Identifiers: Orphanet 369867, MedGen C3809309, MONDO:0014154, OMIM 615376.
Neuronopathy, distal hereditary motor, autosomal recessive 4. Also called: Autosomal recessive lower motor neuron disease with childhood onset; NEUROPATHY, DISTAL HEREDITARY MOTOR, AUTOSOMAL RECESSIVE 4. Identifiers: Orphanet 206580, MedGen C1970211, MONDO:0012608, OMIM 611067.

Allele frequency attached by ClinVar (database versions not stated): gnomAD 0.00002 and 0.00003; ESP Exome Variant Server 0.00008; TOPMed 0.00004; gnomAD exomes 0.00007.

Submissions (3):

Ambry Genetics
Classification: Uncertain significance for Inborn genetic diseases. Last evaluated: 2025-06-06. Review status: criteria provided, single submitter. Criteria: Ambry Variant Classification Scheme 2023. Collection method: clinical testing. Allele origin: germline.

Labcorp Genetics (formerly Invitae), Labcorp
Classification: Uncertain significance for Neuronopathy, distal hereditary motor, autosomal recessive 4; Charcot-Marie-Tooth disease recessive intermediate C. Last evaluated: 2022-05-22. Review status: criteria provided, single submitter. Criteria: Invitae Variant Classification Sherloc (09022015). Collection method: clinical testing. Allele origin: germline.
Comment: This sequence change replaces alanine, which is neutral and non-polar, with proline, which is neutral and non-polar, at codon 978 of the PLEKHG5 protein (p.Ala978Pro). This variant is present in population databases (rs368905339, gnomAD 0.007%). This variant has not been reported in the literature in individuals affected with PLEKHG5-related conditions. ClinVar contains an entry for this variant (Variation ID: 654396). Algorithms developed to predict the effect of missense changes on protein structure and function (SIFT, PolyPhen-2, Align-GVGD) all suggest that this variant is likely to be tolerated. Algorithms developed to predict the effect of sequence changes on RNA splicing suggest that this variant may create or strengthen a splice site. In summary, the available evidence is currently insufficient to determine the role of this variant in disease. Therefore, it has been classified as a Variant of Uncertain Significance.

Department of Pathology and Laboratory Medicine, Sinai Health System
Classification: Uncertain significance for Neuronopathy, distal hereditary motor, autosomal recessive 4; Charcot-Marie-Tooth disease recessive intermediate C. Last evaluated: 2020-08-31. Review status: criteria provided, single submitter. Criteria: ACMG Guidelines, 2015. Collection method: research. Allele origin: germline.